The following is an entry in ClinVar:

ClinVar aggregate classification (germline): Likely benign. Review status: criteria provided, multiple submitters, no conflicts (2 of 4 stars). 3 submissions from 3 submitters: Likely benign (2). 1 of the submissions does not count toward it. Last evaluated 2024-11-27.

Conditions:
DYNC2I2-related disorder. Also called: DYNC2I2-related condition.
Short-rib thoracic dysplasia 11 with or without polydactyly (SRTD11). Also called: SHORT-RIB THORACIC DYSPLASIA 11 WITHOUT POLYDACTYLY. Identifiers: Orphanet 474, Orphanet 93271, MedGen C3810200, MONDO:0014287, OMIM 615633.

Allele frequency attached by ClinVar (database versions not stated): gnomAD exomes 0.00001.
gnomAD v4.1: 15 of 1,613,446 alleles (0.00093%); highest among the groups gnomAD compares: South Asian, 0.0066%; no homozygotes.

Submissions (3):

Blueprint Genetics
Classification: Likely benign. Last evaluated: 2024-11-27. Review status: criteria provided, single submitter. Criteria: ACMG Guidelines, 2015. Collection method: clinical testing. Allele origin: germline.

Labcorp Genetics (formerly Invitae), Labcorp
Classification: Likely benign for Short-rib thoracic dysplasia 11 with or without polydactyly. Last evaluated: 2023-08-10. Review status: criteria provided, single submitter. Criteria: Invitae Variant Classification Sherloc (09022015). Collection method: clinical testing. Allele origin: germline.

PreventionGenetics, part of Exact Sciences
Classification: Likely benign for DYNC2I2-related condition. Last evaluated: 2022-02-17. Review status: no assertion criteria provided. Collection method: clinical testing. Allele origin: germline. Not counted in ClinVar's aggregate classification.
Comment: This variant is classified as likely benign based on ACMG/AMP sequence variant interpretation guidelines (Richards et al. 2015 PMID: 25741868, with internal and published modifications).

NM_052844.4(DYNC2I2):c.498C>T (p.Ser166=)

Gene: DYNC2I2 (dynein 2 intermediate chain 2; minus strand). Cytogenetic location: 9q34.11.
Variant type: single nucleotide variant.
Coding change: c.498C>T on transcript NM_052844.4 (MANE Select); coding-DNA position 498, C replaced by T.
Protein change: p.Ser166=; no amino-acid change (serine 166 retained).
Molecular consequence: synonymous variant.
Genome position (GRCh38, 1-based): chr9:128,636,965, G>A on the plus strand (C>T on the coding strand, the complement: DYNC2I2 is on the minus strand). VCF-style: chr9-128636965-G-A. GRCh37 (hg19) VCF-style: chr9-131399244-G-A.
Other names: c.498C>T (NM_052844.3).
Identifiers: ClinVar variation 1681240 (VCV001681240.11), dbSNP rs1464019566, ClinGen allele CA467306249.